The following is an entry in ClinVar:

ClinVar aggregate classification (germline): Uncertain significance. Review status: criteria provided, multiple submitters, no conflicts (2 of 4 stars). 2 submissions from 2 submitters: Uncertain significance (2). Last evaluated 2026-01-20.

Submissions (2):

Labcorp Genetics (formerly Invitae), Labcorp
Classification: Uncertain significance. Last evaluated: 2026-01-20. Review status: criteria provided, single submitter. Criteria: Invitae Variant Classification Sherloc (09022015). Collection method: clinical testing. Allele origin: germline.
Comment: This sequence change creates a premature translational stop signal (p.Thr3223Serfs*19) in the DCHS1 gene. While this is not anticipated to result in nonsense mediated decay, it is expected to disrupt the last 76 amino acid(s) of the DCHS1 protein. This variant is present in population databases (rs781328771, gnomAD 0.003%). This variant has not been reported in the literature in individuals affected with DCHS1-related conditions. Experimental studies and prediction algorithms are not available or were not evaluated, and the functional significance of this variant is currently unknown. In summary, the available evidence is currently insufficient to determine the role of this variant in disease. Therefore, it has been classified as a Variant of Uncertain Significance.

Women's Health and Genetics/Laboratory Corporation of America, LabCorp
Classification: Uncertain significance. Last evaluated: 2025-12-30. Review status: criteria provided, single submitter. Criteria: LabCorp Variant Classification Summary - May 2015. Collection method: clinical testing. Allele origin: germline.
Comment: Variant summary: DCHS1 c.9668_9669delCA (p.Thr3223SerfsX19) results in a premature termination codon, predicted to cause a truncation of the encoded protein, however nonsense mediated decay is not predicted. The variant allele was found at a frequency of 1.2e-05 in 249704 control chromosomes. The available data on variant occurrences in the general population are insufficient to allow any conclusion about variant significance. To our knowledge, no occurrence of c.9668_9669delCA in individuals affected with DCHS1-related conditions and no experimental evidence demonstrating its impact on protein function have been reported. No submitters have cited clinical-significance assessments for this variant to ClinVar. Based on the evidence outlined above, the variant was classified as uncertain significance.

NM_003737.4(DCHS1):c.9668_9669del (p.Thr3223fs)

Gene: DCHS1 (dachsous cadherin-related 1; minus strand). Cytogenetic location: 11p15.4.
Variant type: Microsatellite.
Coding change: c.9668_9669del on transcript NM_003737.4 (MANE Select); coding-DNA positions 9668 to 9669, 2 bases deleted (CA; older notation c.9668_9669delCA).
Protein change: p.Thr3223fs; shifts the reading frame from threonine 3223.
Molecular consequence: frameshift variant.
Genome position (GRCh38, 1-based): chr11:6,622,007-6,622,008, TG deleted on the plus strand (CA on the coding strand, the reverse complement: DCHS1 is on the minus strand); deleting any 2 consecutive bases within chr11:6,622,007-6,622,011 gives the same sequence; the c. name uses the placement nearest the transcript's 3' end. VCF-style (leftmost placement, unchanged base first): chr11-6622006-CTG-C. GRCh37 (hg19) VCF-style: chr11-6643237-CTG-C.
Other names: c.9668_9669delCA (NM_003737.4); short protein forms T3223fs.
Identifiers: ClinVar variation 4688597 (VCV004688597.2).